The following is an entry in ClinVar:

NM_000443.4(ABCB4):c.3497C>G (p.Thr1166Arg)

Gene: ABCB4 (ATP binding cassette subfamily B member 4; minus strand). Cytogenetic location: 7q21.12.
Variant type: single nucleotide variant.
Coding change: c.3497C>G on transcript NM_000443.4 (MANE Select); coding-DNA position 3497, C replaced by G.
Protein change: p.Thr1166Arg; replaces threonine 1166 with arginine.
Molecular consequence: missense variant.
Genome position (GRCh38, 1-based): chr7:87,403,271, G>C on the plus strand (C>G on the coding strand, the complement: ABCB4 is on the minus strand). VCF-style: chr7-87403271-G-C. GRCh37 (hg19) VCF-style: chr7-87032587-G-C.
Other names: c.3518C>G, p.Thr1173Arg (NM_018849.3); c.3356C>G, p.Thr1119Arg (NM_018850.3); short protein forms T1119R, T1166R, T1173R.
Identifiers: ClinVar variation 2631242 (VCV002631242.1), dbSNP rs2546739348, ClinGen allele CA368057891.

ClinVar aggregate classification (germline): Uncertain significance (1 of 4 stars; one submission).

Conditions:
ABCB4-related disorder. Also called: ABCB4-related disorders; ABCB4-related condition.

Submission:

PreventionGenetics, part of Exact Sciences
Classification: Uncertain significance for ABCB4-related condition. Last evaluated: 2023-07-24. Review status: criteria provided, single submitter. Criteria: ACMG Guidelines, 2015. Collection method: clinical testing. Allele origin: germline.
Comment: The ABCB4 c.3497C>G variant is predicted to result in the amino acid substitution p.Thr1166Arg. To our knowledge, this variant has not been reported in the literature or in a large population database, indicating this variant is rare. At this time, the clinical significance of this variant is uncertain due to the absence of conclusive functional and genetic evidence.